The following is an entry in ClinVar:

ClinVar aggregate classification (germline): Uncertain significance (1 of 4 stars; one submission).

Submission:

Ambry Genetics
Classification: Uncertain significance. Last evaluated: 2022-07-19. Review status: criteria provided, single submitter. Criteria: Ambry Variant Classification Scheme 2023. Collection method: clinical testing. Allele origin: germline.
Comment: The p.C2295F variant (also known as c.6884G>T), located in coding exon 24 of the POLQ gene, results from a G to T substitution at nucleotide position 6884. The cysteine at codon 2295 is replaced by phenylalanine, an amino acid with highly dissimilar properties. This amino acid position is conserved. In addition, this alteration is predicted to be tolerated by in silico analysis. Since supporting evidence is limited at this time, the clinical significance of this alteration remains unclear.

NM_199420.4(POLQ):c.6884G>T (p.Cys2295Phe)

Gene: POLQ (DNA polymerase theta; minus strand). Cytogenetic location: 3q13.33.
Variant type: single nucleotide variant.
Coding change: c.6884G>T on transcript NM_199420.4 (MANE Select); coding-DNA position 6884, G replaced by T.
Protein change: p.Cys2295Phe; replaces cysteine 2295 with phenylalanine.
Molecular consequence: missense variant.
Genome position (GRCh38, 1-based): chr3:121,467,602, C>A on the plus strand (G>T on the coding strand, the complement: POLQ is on the minus strand). VCF-style: chr3-121467602-C-A. GRCh37 (hg19) VCF-style: chr3-121186449-C-A.
Other names: short protein forms C2295F.
Identifiers: ClinVar variation 1755961 (VCV001755961.2), dbSNP rs889253409, ClinGen allele CA354110469.
Genomic context (GRCh38, chr3:121,467,602, plus strand): 5'-CGCATGCTAATTGAAAATGGCATTCCTCTGTCTGCAGCTCTCTCCTCCATCTGTGCCTGG[C>A]ATCTAGGATTCACGCTGAAACCCTTCTTATATTTTCCTCTGTGGTGCAAACAACATCATC-3'
Protein context (NP_955452.3, residues 2285-2305): YKKGFSVNPR[Cys2295Phe]QAQMEERAAD